The following is an entry in ClinVar:

NM_133433.4(NIPBL):c.3101A>G (p.Lys1034Arg)

Gene: NIPBL (NIPBL cohesin loading factor; plus strand). Cytogenetic location: 5p13.2.
Variant type: single nucleotide variant.
Coding change: c.3101A>G on transcript NM_133433.4 (MANE Select); coding-DNA position 3101, A replaced by G.
Protein change: p.Lys1034Arg; replaces lysine 1034 with arginine.
Molecular consequence: missense variant.
Genome position (GRCh38, 1-based): chr5:36,986,281, A>G. VCF-style: chr5-36986281-A-G. GRCh37 (hg19) VCF-style: chr5-36986383-A-G.
Other names: c.3101A>G, p.Lys1034Arg (NM_015384.5); short protein forms K1034R.
Identifiers: ClinVar variation 3016916 (VCV003016916.3), dbSNP rs755568891, ClinGen allele CA3236261.

ClinVar aggregate classification (germline): Uncertain significance (1 of 4 stars; one submission).

Conditions:
Cornelia de Lange syndrome 1 (CDLS1). Also called: TYPUS DEGENERATIVUS AMSTELODAMENSIS; Brachmann de Lange syndrome; NIPBL-Related Cornelia de Lange Syndrome. Identifiers: Orphanet 199, MedGen C4551851, MONDO:0007387, OMIM 122470.

Allele frequency attached by ClinVar (database versions not stated): gnomAD exomes below 0.00001; ExAC 0.00001.
gnomAD v4.1: 1 of 1,520,974 alleles (0.000066%); highest among the groups gnomAD compares: Admixed American, 0.0022%; no homozygotes.

Submission:

Labcorp Genetics (formerly Invitae), Labcorp
Classification: Uncertain significance for Cornelia de Lange syndrome 1. Last evaluated: 2023-12-14. Review status: criteria provided, single submitter. Criteria: Invitae Variant Classification Sherloc (09022015). Collection method: clinical testing. Allele origin: germline.
Comment: This sequence change replaces lysine, which is basic and polar, with arginine, which is basic and polar, at codon 1034 of the NIPBL protein (p.Lys1034Arg). This variant is present in population databases (rs755568891, gnomAD 0.005%). This variant has not been reported in the literature in individuals affected with NIPBL-related conditions. Advanced modeling of protein sequence and biophysical properties (such as structural, functional, and spatial information, amino acid conservation, physicochemical variation, residue mobility, and thermodynamic stability) performed at Invitae indicates that this missense variant is not expected to disrupt NIPBL protein function with a negative predictive value of 95%. In summary, the available evidence is currently insufficient to determine the role of this variant in disease. Therefore, it has been classified as a Variant of Uncertain Significance.